The following is an entry in ClinVar:

ClinVar aggregate classification (germline): Uncertain significance (1 of 4 stars; one submission).

Submission:

Labcorp Genetics (formerly Invitae), Labcorp
Classification: Uncertain significance. Last evaluated: 2026-01-05. Review status: criteria provided, single submitter. Criteria: Invitae Variant Classification Sherloc (09022015). Collection method: clinical testing. Allele origin: germline.
Comment: This sequence change falls in intron 19 of the TOP2B gene. It does not directly change the encoded amino acid sequence of the TOP2B protein. Information on the frequency of this variant in the gnomAD database is not available, as this variant may be reported differently in the database. This variant has not been reported in the literature in individuals affected with TOP2B-related conditions. ClinVar contains an entry for this variant (Variation ID: 3607483). Experimental studies and prediction algorithms are not available or were not evaluated, and the effect of this variant on mRNA splicing is currently unknown. In summary, the available evidence is currently insufficient to determine the role of this variant in disease. Therefore, it has been classified as a Variant of Uncertain Significance.

NM_001330700.2(TOP2B):c.2347-19_2347-18delinsTT

Gene: TOP2B (DNA topoisomerase II beta; minus strand). Cytogenetic location: 3p24.2.
Variant type: Indel.
Coding change: c.2347-19_2347-18delinsTT on transcript NM_001330700.2 (MANE Select); 19 bases into the intron before coding-DNA position 2347 through 18 bases into the intron before coding-DNA position 2347, GC replaced by TT.
Molecular consequence: intron variant.
Genome position (GRCh38, 1-based): chr3:25,624,463-25,624,464, GC replaced by AA on the plus strand (GC replaced by TT on the coding strand, the reverse complement: TOP2B is on the minus strand). VCF-style: chr3-25624463-GC-AA. GRCh37 (hg19) VCF-style: chr3-25665954-GC-AA.
Other names: c.2332-19_2332-18delinsTT (NM_001068.3).
Identifiers: ClinVar variation 3607483 (VCV003607483.2).
Genomic context (GRCh38, chr3:25,624,463, plus strand): 5'-CAAAGTTCTGAGCCAAATTCACAATAGTCATCATCAATGCTTGCTATACAACAGAAGAAG[GC>AA]AGAACATAACATTAATATTCTAAATTTTCTATAATTACTCCCCAACTTGAATTAAAATCC-3'